The following is an entry in ClinVar:

ClinVar aggregate classification (germline): Uncertain significance. Review status: criteria provided, multiple submitters, no conflicts (2 of 4 stars). 2 submissions from 2 submitters: Uncertain significance (2). Last evaluated 2025-03-03.

Allele frequency attached by ClinVar (database versions not stated): gnomAD 0.00006; gnomAD exomes 0.00002 and 0.00011; TOPMed 0.00006.
gnomAD v4.1: 152 of 1,467,704 alleles (0.01%); highest among the groups gnomAD compares: Non-Finnish European, 0.013%; no homozygotes.

Submissions (2):

Labcorp Genetics (formerly Invitae), Labcorp
Classification: Uncertain significance. Last evaluated: 2025-03-03. Review status: criteria provided, single submitter. Criteria: Invitae Variant Classification Sherloc (09022015). Collection method: clinical testing. Allele origin: germline.
Comment: This sequence change replaces valine, which is neutral and non-polar, with alanine, which is neutral and non-polar, at codon 172 of the CTF1 protein (p.Val172Ala). This variant is present in population databases (no rsID available, gnomAD 0.007%). This variant has not been reported in the literature in individuals affected with CTF1-related conditions. ClinVar contains an entry for this variant (Variation ID: 639019). An algorithm developed to predict the effect of missense changes on protein structure and function (PolyPhen-2) suggests that this variant is likely to be tolerated. In summary, the available evidence is currently insufficient to determine the role of this variant in disease. Therefore, it has been classified as a Variant of Uncertain Significance.

Ambry Genetics
Classification: Uncertain significance. Last evaluated: 2025-01-23. Review status: criteria provided, single submitter. Criteria: Ambry Variant Classification Scheme 2023. Collection method: clinical testing. Allele origin: germline.

NM_001330.5(CTF1):c.515T>C (p.Val172Ala)

Genes: CTF1 (cardiotrophin 1; plus strand), LOC130058878 (ATAC-STARR-seq lymphoblastoid silent region 7400; plus strand). Cytogenetic location: 16p11.2.
Variant type: single nucleotide variant.
Coding change: c.515T>C on transcript NM_001330.5 (MANE Select); coding-DNA position 515, T replaced by C.
Protein change: p.Val172Ala; replaces valine 172 with alanine.
Molecular consequence: missense variant. On other transcripts: non-coding transcript variant (1).
Genome position (GRCh38, 1-based): chr16:30,902,448, T>C. VCF-style: chr16-30902448-T-C. GRCh37 (hg19) VCF-style: chr16-30913769-T-C.
Other names: c.512T>C, p.Val171Ala (NM_001142544.3); short protein forms V171A, V172A.
Identifiers: ClinVar variation 639019 (VCV000639019.10), dbSNP rs892483374, ClinGen allele CA280531315.